The following is an entry in ClinVar:

ClinVar aggregate classification (germline): Likely benign. Review status: criteria provided, multiple submitters, no conflicts (2 of 4 stars). 3 submissions from 3 submitters: Likely benign (3). Last evaluated 2024-10-11.

Conditions:
Hereditary cancer-predisposing syndrome. Also called: Hereditary neoplastic syndrome; Tumor predisposition; Hereditary Cancer Syndrome; Neoplastic Syndromes, Hereditary. Identifiers: Orphanet 140162, MedGen C0027672, MeSH D009386, MONDO:0015356.
Hereditary diffuse gastric adenocarcinoma (HDGC). Also called: DIFFUSE GASTRIC AND LOBULAR BREAST CANCER SYNDROME. Identifiers: Orphanet 26106, MedGen C1708349, MONDO:0007648, OMIM 137215.

Allele frequency attached by ClinVar (database versions not stated): gnomAD exomes below 0.00001.
gnomAD v4.1: 2 of 1,611,532 alleles (0.00012%); highest among the groups gnomAD compares: Admixed American, 0.0017%; no homozygotes.

Submissions (3):

Myriad Genetics, Inc.
Classification: Likely benign for Hereditary diffuse gastric adenocarcinoma. Last evaluated: 2024-10-11. Review status: criteria provided, single submitter. Criteria: Myriad Autosomal Dominant, Autosomal Recessive and X-Linked Classification Criteria (2023). Collection method: clinical testing. Allele origin: unknown.
Comment: This variant is considered likely benign. This variant is intronic and is not expected to impact mRNA splicing.

Labcorp Genetics (formerly Invitae), Labcorp
Classification: Likely benign. Last evaluated: 2024-04-30. Review status: criteria provided, single submitter. Criteria: Invitae Variant Classification Sherloc (09022015). Collection method: clinical testing. Allele origin: germline.

Ambry Genetics
Classification: Likely benign for Hereditary cancer-predisposing syndrome. Last evaluated: 2023-08-14. Review status: criteria provided, single submitter. Criteria: Ambry Variant Classification Scheme 2023. Collection method: clinical testing. Allele origin: germline.

NM_001903.5(CTNNA1):c.1297-4A>G

Gene: CTNNA1 (catenin alpha 1; plus strand). Cytogenetic location: 5q31.2.
Variant type: single nucleotide variant.
Coding change: c.1297-4A>G on transcript NM_001903.5 (MANE Select); 4 bases into the intron before coding-DNA position 1297, A replaced by G.
Molecular consequence: intron variant.
Genome position (GRCh38, 1-based): chr5:138,904,345, A>G. VCF-style: chr5-138904345-A-G. GRCh37 (hg19) VCF-style: chr5-138240034-A-G.
Other names: c.1297-4A>G (NM_001323982.2, NM_001323984.2, NM_001290307.3 and 3 more transcripts); c.1297-13397A>G (NM_001323986.2); c.928-4A>G (NM_001290310.3); c.988-4A>G (NM_001290309.3); c.187-4A>G (NM_001323996.1, NM_001323993.1, NM_001324005.1 and 17 more transcripts); c.-211-4A>G (NM_001324007.1, NM_001324009.1, NM_001324006.1 and 1 more transcripts); c.-57-4A>G (NM_001324013.1, NM_001324012.1); c.187-13397A>G (NM_001324011.1); and 1 more.
Identifiers: ClinVar variation 1427028 (VCV001427028.9), dbSNP rs754195249, ClinGen allele CA563301337.